The following is an entry in ClinVar:

NM_015978.3(TNNI3K):c.1714A>G (p.Lys572Glu)

Genes: TNNI3K (TNNI3 interacting kinase; plus strand), FPGT-TNNI3K (FPGT-TNNI3K readthrough; plus strand). Cytogenetic location: 1p31.1.
Variant type: single nucleotide variant.
Coding change: c.1714A>G on transcript NM_015978.3 (MANE Select); coding-DNA position 1714, A replaced by G.
Protein change: p.Lys572Glu; replaces lysine 572 with glutamic acid.
Molecular consequence: missense variant.
Genome position (GRCh38, 1-based): chr1:74,370,334, A>G. VCF-style: chr1-74370334-A-G. GRCh37 (hg19) VCF-style: chr1-74836018-A-G.
Other names: c.2017A>G, p.Lys673Glu (NM_001112808.3, NM_001199327.2); short protein forms K572E, K673E.
Identifiers: ClinVar variation 2996994 (VCV002996994.3), dbSNP rs562594271, ClinGen allele CA909379.

ClinVar aggregate classification (germline): Uncertain significance (1 of 4 stars; one submission).

Allele frequency attached by ClinVar (database versions not stated): ExAC 0.00001; gnomAD 0.00001; 1000 Genomes Project 30x 0.00016; 1000 Genomes Project 0.00020.
gnomAD v4.1: 1 of 1,606,880 alleles (0.000062%); highest among the groups gnomAD compares: South Asian, 0.0011%; no homozygotes.

Submission:

Labcorp Genetics (formerly Invitae), Labcorp
Classification: Uncertain significance. Last evaluated: 2023-09-27. Review status: criteria provided, single submitter. Criteria: Invitae Variant Classification Sherloc (09022015). Collection method: clinical testing. Allele origin: germline.
Comment: In summary, the available evidence is currently insufficient to determine the role of this variant in disease. Therefore, it has been classified as a Variant of Uncertain Significance. This sequence change replaces lysine, which is basic and polar, with glutamic acid, which is acidic and polar, at codon 572 of the TNNI3K protein (p.Lys572Glu). The frequency data for this variant in the population databases is considered unreliable, as metrics indicate poor data quality at this position in the gnomAD database. This variant has not been reported in the literature in individuals affected with TNNI3K-related conditions. Advanced modeling of protein sequence and biophysical properties (such as structural, functional, and spatial information, amino acid conservation, physicochemical variation, residue mobility, and thermodynamic stability) performed at Invitae indicates that this missense variant is not expected to disrupt TNNI3K protein function.